The following is an entry in ClinVar:

ClinVar aggregate classification (germline): Uncertain significance (1 of 4 stars; one submission).

Conditions:
Kabuki syndrome 2 (KABUK2). Also called: KDM6A-Related Kabuki Syndrome. Identifiers: Orphanet 2322, MedGen C3275495, MONDO:0010465, OMIM 300867.

Allele frequency attached by ClinVar (database versions not stated): gnomAD exomes below 0.00001; gnomAD 0.00002.
gnomAD v4.1: 6 of 1,208,396 alleles (0.0005%); highest among the groups gnomAD compares: Non-Finnish European, 0.00067%; no homozygotes.

Submission:

Labcorp Genetics (formerly Invitae), Labcorp
Classification: Uncertain significance for Kabuki syndrome 2. Last evaluated: 2022-07-24. Review status: criteria provided, single submitter. Criteria: Invitae Variant Classification Sherloc (09022015). Collection method: clinical testing. Allele origin: germline.
Comment: Algorithms developed to predict the effect of sequence changes on RNA splicing suggest that this variant may create or strengthen a splice site. In summary, the available evidence is currently insufficient to determine the role of this variant in disease. Therefore, it has been classified as a Variant of Uncertain Significance. This variant has not been reported in the literature in individuals affected with KDM6A-related conditions. This variant is not present in population databases (gnomAD no frequency). This sequence change affects codon 1218 of the KDM6A mRNA. It is a 'silent' change, meaning that it does not change the encoded amino acid sequence of the KDM6A protein.

NM_001291415.2(KDM6A):c.3810C>A (p.Val1270=)

Gene: KDM6A (lysine demethylase 6A; plus strand). Cytogenetic location: Xp11.3.
Variant type: single nucleotide variant.
Coding change: c.3810C>A on transcript NM_001291415.2 (MANE Select); coding-DNA position 3810, C replaced by A.
Protein change: p.Val1270=; no amino-acid change (valine 1270 retained).
Molecular consequence: synonymous variant. On other transcripts: non-coding transcript variant (1).
Genome position (GRCh38, 1-based): chrX:45,089,848, C>A. VCF-style: chrX-45089848-C-A. GRCh37 (hg19) VCF-style: chrX-44949093-C-A.
Other names: c.3675C>A, p.Val1225= (NM_001291416.2); c.3519C>A, p.Val1173= (NM_001291417.2); c.3417C>A, p.Val1139= (NM_001291418.2); c.2766C>A, p.Val922= (NM_001291421.2); c.3552C>A, p.Val1184= (NM_001410742.1); c.3654C>A, p.Val1218= (NM_021140.4).
Identifiers: ClinVar variation 2195144 (VCV002195144.4), dbSNP rs1032649613, ClinGen allele CA329060706.